The following is an entry in ClinVar:

NM_006904.7(PRKDC):c.1376G>C (p.Arg459Thr)

Gene: PRKDC (protein kinase, DNA-activated, catalytic subunit; minus strand). Cytogenetic location: 8q11.21.
Variant type: single nucleotide variant.
Coding change: c.1376G>C on transcript NM_006904.7 (MANE Select); coding-DNA position 1376, G replaced by C.
Protein change: p.Arg459Thr; replaces arginine 459 with threonine.
Molecular consequence: missense variant.
Genome position (GRCh38, 1-based): chr8:47,935,803, C>G on the plus strand (G>C on the coding strand, the complement: PRKDC is on the minus strand). VCF-style: chr8-47935803-C-G. GRCh37 (hg19) VCF-style: chr8-48848363-C-G.
Other names: c.1376G>C (NM_006904.6); c.1376G>C, p.Arg459Thr (NM_001081640.2); short protein forms R459T.
Identifiers: ClinVar variation 1411220 (VCV001411220.7), dbSNP rs995729522, ClinGen allele CA176166372.

ClinVar aggregate classification (germline): Uncertain significance. Review status: criteria provided, multiple submitters, no conflicts (2 of 4 stars). 2 submissions from 2 submitters: Uncertain significance (2). Last evaluated 2024-10-01.

Conditions:
Severe combined immunodeficiency due to DNA-PKcs deficiency. Also called: Immunodeficiency 26 with or without neurologic abnormalities; IMMUNODEFICIENCY 26 WITH NEUROLOGIC ABNORMALITIES. Identifiers: Orphanet 317425, MedGen C4014833, MONDO:0014423, OMIM 615966.

Allele frequency attached by ClinVar (database versions not stated): TOPMed below 0.00001; gnomAD 0.00001.
gnomAD v4.1: 1 of 1,613,864 alleles (0.000062%); highest among the groups gnomAD compares: Admixed American, 0.0017%; no homozygotes.

Submissions (2):

Ambry Genetics
Classification: Uncertain significance. Last evaluated: 2024-10-01. Review status: criteria provided, single submitter. Criteria: Ambry Variant Classification Scheme 2023. Collection method: clinical testing. Allele origin: germline.

Labcorp Genetics (formerly Invitae), Labcorp
Classification: Uncertain significance for Severe combined immunodeficiency due to DNA-PKcs deficiency. Last evaluated: 2022-10-04. Review status: criteria provided, single submitter. Criteria: Invitae Variant Classification Sherloc (09022015). Collection method: clinical testing. Allele origin: germline.
Comment: In summary, the available evidence is currently insufficient to determine the role of this variant in disease. Therefore, it has been classified as a Variant of Uncertain Significance. Experimental studies and prediction algorithms are not available or were not evaluated, and the functional significance of this variant is currently unknown. ClinVar contains an entry for this variant (Variation ID: 1411220). This variant has not been reported in the literature in individuals affected with PRKDC-related conditions. This variant is not present in population databases (gnomAD no frequency). This sequence change replaces arginine with threonine at codon 459 of the PRKDC protein (p.Arg459Thr). The arginine residue is weakly conserved and there is a moderate physicochemical difference between arginine and threonine.